The following is an entry in ClinVar:

ClinVar aggregate classification (germline): Uncertain significance (1 of 4 stars; one submission).

Submission:

GeneDx
Classification: Uncertain significance. Last evaluated: 2013-09-30. Review status: criteria provided, single submitter. Criteria: GeneDx Variant Classification (06012015). Collection method: clinical testing. Allele origin: germline. Affected: yes.
Comment: Missense variants in the TTN gene are considered 'unclassified' if they are not previously reported in the literature and do not have >1% frequency in the population to be considered a polymorphism. Research indicates that truncating mutations in the TTN gene are expected to account for approximately 25% of familial and 18% of sporadic idiopathic DCM; however, truncating variants in the TTN gene have been reported in approximately 3% of reported control alleles. There has been little investigation into non-truncating variants. (Herman D et al. Truncations of titin causing dilated cardiomyopathy. N Eng J Med 366:619-628, 2012) The variant is found in DCM-CRDM panel(s).

NM_001267550.2(TTN):c.9343C>G (p.Leu3115Val)

Gene: TTN (titin; minus strand). Cytogenetic location: 2q31.2.
Variant type: single nucleotide variant.
Coding change: c.9343C>G on transcript NM_001267550.2 (MANE Select); coding-DNA position 9343, C replaced by G.
Protein change: p.Leu3115Val; replaces leucine 3115 with valine.
Molecular consequence: missense variant.
Genome position (GRCh38, 1-based): chr2:178,767,887, G>C on the plus strand (C>G on the coding strand, the complement: TTN is on the minus strand). VCF-style: chr2-178767887-G-C. GRCh37 (hg19) VCF-style: chr2-179632614-G-C.
Other names: p.L3115V:CTG>GTG; c.9343C>G, p.Leu3115Val (NM_001256850.1, NM_133378.4, NM_133379.5); c.9205C>G, p.Leu3069Val (NM_003319.4, NM_133432.3, NM_133437.4); short protein forms L3115V, L3069V.
Identifiers: ClinVar variation 203166 (VCV000203166.2), dbSNP rs794729584, ClinGen allele CA311537.